The following is an entry in ClinVar:

ClinVar aggregate classification (germline): Uncertain significance (1 of 4 stars; one submission).

Submission:

Labcorp Genetics (formerly Invitae), Labcorp
Classification: Uncertain significance. Last evaluated: 2024-11-29. Review status: criteria provided, single submitter. Criteria: Invitae Variant Classification Sherloc (09022015). Collection method: clinical testing. Allele origin: germline.
Comment: This sequence change replaces histidine, which is basic and polar, with arginine, which is basic and polar, at codon 369 of the MOCS3 protein (p.His369Arg). This variant is present in population databases (no rsID available, gnomAD 0.003%). This variant has not been reported in the literature in individuals affected with MOCS3-related conditions. An algorithm developed to predict the effect of missense changes on protein structure and function (PolyPhen-2) suggests that this variant is likely to be tolerated. In summary, the available evidence is currently insufficient to determine the role of this variant in disease. Therefore, it has been classified as a Variant of Uncertain Significance.

NM_014484.5(MOCS3):c.1106A>G (p.His369Arg)

Gene: MOCS3 (molybdenum cofactor synthesis 3; plus strand). Cytogenetic location: 20q13.13.
Variant type: single nucleotide variant.
Coding change: c.1106A>G on transcript NM_014484.5 (MANE Select); coding-DNA position 1106, A replaced by G.
Protein change: p.His369Arg; replaces histidine 369 with arginine.
Molecular consequence: missense variant.
Genome position (GRCh38, 1-based): chr20:50,959,948, A>G. VCF-style: chr20-50959948-A-G. GRCh37 (hg19) VCF-style: chr20-49576485-A-G.
Other names: short protein forms H369R.
Identifiers: ClinVar variation 3670976 (VCV003670976.2).